The following is an entry in ClinVar:

ClinVar aggregate classification (germline): Uncertain significance. Review status: criteria provided, multiple submitters, no conflicts (2 of 4 stars). 2 submissions from 2 submitters: Uncertain significance (2). Last evaluated 2025-11-04.

Conditions:
Neurofibromatosis, type 2 (SWNV). Also called: NF2-Related Schwannomatosis; BILATERAL ACOUSTIC NEUROFIBROMATOSIS; SCHWANNOMATOSIS, VESTIBULAR. Identifiers: Orphanet 637, MedGen C0027832, MONDO:0007039, OMIM 101000. Disease mechanism: loss of function.

gnomAD v4.1: 3 of 1,613,656 alleles (0.00019%); highest among the groups gnomAD compares: South Asian, 0.0011%; no homozygotes.

Submissions (2):

Labcorp Genetics (formerly Invitae), Labcorp
Classification: Uncertain significance for Neurofibromatosis, type 2. Last evaluated: 2025-11-04. Review status: criteria provided, single submitter. Criteria: Invitae Variant Classification Sherloc (09022015). Collection method: clinical testing. Allele origin: germline.
Comment: This sequence change replaces phenylalanine, which is neutral and non-polar, with leucine, which is neutral and non-polar, at codon 591 of the NF2 protein (p.Phe591Leu). This variant is not present in population databases (gnomAD no frequency). This variant has not been reported in the literature in individuals affected with NF2-related conditions. ClinVar contains an entry for this variant (Variation ID: 3387406). Invitae Evidence Modeling of protein sequence and biophysical properties (such as structural, functional, and spatial information, amino acid conservation, physicochemical variation, residue mobility, and thermodynamic stability) indicates that this missense variant is not expected to disrupt NF2 protein function with a negative predictive value of 80%. In summary, the available evidence is currently insufficient to determine the role of this variant in disease. Therefore, it has been classified as a Variant of Uncertain Significance.

All of Us Research Program, National Institutes of Health
Classification: Uncertain significance for Neurofibromatosis, type 2. Last evaluated: 2024-09-23. Review status: criteria provided, single submitter. Criteria: ACMG Guidelines, 2015. Collection method: clinical testing. Allele origin: germline. Inheritance: Autosomal dominant inheritance. Observed: 1 variant allele, 1 heterozygote.
Comment: This study involves interpretation of variants in research participants for the purpose of population health screening. Participant phenotype was not available at the time of variant classification. Additional details can be found in publication PMID: 35346344, PMCID: PMC8962531

NM_000268.4(NF2):c.1771T>C (p.Phe591Leu)

Gene: NF2 (NF2, moesin-ezrin-radixin like (MERLIN) tumor suppressor; plus strand). Cytogenetic location: 22q12.2.
Variant type: single nucleotide variant.
Coding change: c.1771T>C on transcript NM_000268.4 (MANE Select); coding-DNA position 1771, T replaced by C.
Protein change: p.Phe591Leu; replaces phenylalanine 591 with leucine.
Molecular consequence: missense variant. On other transcripts: 3 prime UTR variant (11), synonymous variant (2), non-coding transcript variant (1).
Genome position (GRCh38, 1-based): chr22:29,694,785, T>C. VCF-style: chr22-29694785-T-C. GRCh37 (hg19) VCF-style: chr22-30090774-T-C.
Other names: c.1657T>C, p.Phe553Leu (NM_001407053.1); c.1648T>C, p.Phe550Leu (NM_001407054.1); c.1645T>C, p.Phe549Leu (NM_001407055.1); c.*43T>C (NM_001407056.1, NM_001407059.1, NM_001407065.1 and 5 more transcripts); c.1636T>C, p.Phe546Leu (NM_001407057.1); c.*58T>C (NM_001407058.1, NM_001407063.1, NM_181832.3); c.1608T>C, p.Pro536= (NM_001407060.1); c.1513T>C, p.Phe505Leu (NM_001407062.1); and 2 more; short protein forms F161L, F505L, F546L, F549L, F550L, F553L, F591L.
Identifiers: ClinVar variation 3387406 (VCV003387406.2).
Genomic context (GRCh38, chr22:29,694,785, plus strand): 5'-CTCAGCTTCTTCTCTGCTTTCTTACAGCTCACCTTGCAGAGCGCCAAGTCCCGAGTGGCC[T>C]TCTTTGAAGAGCTCTAGCAGGTGACCCAGCCACCCCAGGACCTGCCACTTCTCCTGCTAC-3'
Protein context (NP_000259.1, residues 581-595): TLQSAKSRVA[Phe591Leu]FEEL